The following is an entry in ClinVar:

ClinVar aggregate classification (germline): Benign/Likely benign. Review status: criteria provided, multiple submitters, no conflicts (2 of 4 stars). 6 submissions from 6 submitters: Benign (2); Likely benign (4). Last evaluated 2026-04-01.

Conditions:
Ectodermal dysplasia and immunodeficiency 2. Identifiers: Orphanet 238468, Orphanet 98813, MedGen C2677481, MONDO:0012806, OMIM 612132.

Allele frequency attached by ClinVar (database versions not stated): ESP Exome Variant Server 0.00008; TOPMed 0.00028; gnomAD 0.00037 and 0.00046; gnomAD exomes 0.00054 and 0.00083; 1000 Genomes Project 30x 0.00125; ExAC 0.00142; 1000 Genomes Project 0.00160.

Submissions (6):

CeGaT Center for Human Genetics Tuebingen
Classification: Likely benign. Last evaluated: 2026-04-01. Review status: criteria provided, single submitter. Criteria: CeGaT Center For Human Genetics Tuebingen Variant Classification Criteria Version 2. Collection method: clinical testing. Allele origin: germline. Affected: yes. Observed: 1 variant allele.
Comment: NFKBIA: BP4, BP7, BS1

Labcorp Genetics (formerly Invitae), Labcorp
Classification: Benign for Ectodermal dysplasia and immunodeficiency 2. Last evaluated: 2026-01-19. Review status: criteria provided, single submitter. Criteria: Invitae Variant Classification Sherloc (09022015). Collection method: clinical testing. Allele origin: germline.

Laboratory of Genetics, Children's Clinical University Hospital Latvia
Classification: Likely benign. Last evaluated: 2025-02-16. Review status: criteria provided, single submitter. Criteria: ACMG Guidelines, 2015. Collection method: clinical testing. Allele origin: germline. Affected: yes.

Blueprint Genetics
Classification: Likely benign. Last evaluated: 2024-10-08. Review status: criteria provided, single submitter. Criteria: ACMG Guidelines, 2015. Collection method: clinical testing. Allele origin: germline.

Illumina Laboratory Services, Illumina
Classification: Benign for Ectodermal dysplasia and immunodeficiency 2. Last evaluated: 2018-01-13. Review status: criteria provided, single submitter. Criteria: ICSL Variant Classification Criteria 13 December 2019. Collection method: clinical testing. Allele origin: germline.
Comment: This variant was observed in the ICSL laboratory as part of a predisposition screen in an ostensibly healthy population. It had not been previously curated by ICSL or reported in the Human Gene Mutation Database (HGMD: prior to June 1st, 2018), and was therefore a candidate for classification through an automated scoring system. Utilizing variant allele frequency, disease prevalence and penetrance estimates, and inheritance mode, an automated score was calculated to assess if this variant is too frequent to cause the disease. Based on the score and internal cut-off values, a variant classified as benign is not then subjected to further curation. The score for this variant resulted in a classification of benign for this disease.

ARUP Laboratories, Molecular Genetics and Genomics, ARUP Laboratories
Classification: Likely benign. Last evaluated: 2017-12-01. Review status: criteria provided, single submitter. Criteria: ARUP Molecular Germline Variant Investigation Process. Collection method: clinical testing. Allele origin: germline.
Comment: The p.Leu26Leu variant (rs8192285) does not alter the amino acid sequence of the NFKIA protein and computational splice site prediction algorithms do not predict a change in the nearest splice site or creation of a cryptic splice site. This variant has not been reported in association with ectodermal dysplasia, anhidrotic, with T-cell immunodeficiency in medical literature or in gene specific variation databases. This variant is listed in the Genome Aggregation Database (gnomAD) with an overall population frequency of 0.6 percent (identified on 94 out of 16,518 chromosomes, including 1 homozygote). Based on these observations, the p.Leu26Leu variant is likely to be benign.

NM_020529.3(NFKBIA):c.78G>A (p.Leu26=)

Gene: NFKBIA (NFKB inhibitor alpha; minus strand). Cytogenetic location: 14q13.2.
Variant type: single nucleotide variant.
Coding change: c.78G>A on transcript NM_020529.3 (MANE Select); coding-DNA position 78, G replaced by A.
Protein change: p.Leu26=; no amino-acid change (leucine 26 retained).
Molecular consequence: synonymous variant.
Genome position (GRCh38, 1-based): chr14:35,404,567, C>T on the plus strand (G>A on the coding strand, the complement: NFKBIA is on the minus strand). VCF-style: chr14-35404567-C-T. GRCh37 (hg19) VCF-style: chr14-35873773-C-T.
Identifiers: ClinVar variation 313118 (VCV000313118.24), dbSNP rs8192285, ClinGen allele CA7155598.
Genomic context (GRCh38, chr14:35,404,567, plus strand): 5'-GACCATCTGCTCGTACTCCTCGTCTTTCATGGAGTCCAGGCCGCTGTCGTGGCGGTCGTC[C>T]AGTAGCCGCTCCTTCTTCAGCCCGTCGCGGGGGCCCTCCATGGCCCACTCCTGGGGGCGC-3'
Protein context (NP_065390.1, residues 16-36): PRDGLKKERL[Leu26=]DDRHDSGLDS